The following is an entry in ClinVar:

NM_006493.4(CLN5):c.990G>T (p.Trp330Cys)

Gene: CLN5 (CLN5 lysosomal BMP synthase; plus strand). Cytogenetic location: 13q22.3.
Variant type: single nucleotide variant.
Coding change: c.990G>T on transcript NM_006493.4 (MANE Select); coding-DNA position 990, G replaced by T.
Protein change: p.Trp330Cys; replaces tryptophan 330 with cysteine.
Molecular consequence: missense variant. On other transcripts: 3 prime UTR variant (1).
Genome position (GRCh38, 1-based): chr13:77,000,882, G>T. VCF-style: chr13-77000882-G-T. GRCh37 (hg19) VCF-style: chr13-77575017-G-T.
Other names: c.1137G>T (LRG_692t1); c.*439G>T (NM_001366624.2); short protein forms W330C.
Identifiers: ClinVar variation 56530 (VCV000056530.49), dbSNP rs386833968, ClinGen allele CA263880.

ClinVar aggregate classification (germline): Conflicting classifications of pathogenicity. Review status: criteria provided, conflicting classifications (1 of 4 stars). 5 submissions from 5 submitters: Pathogenic (1); Likely pathogenic (2); Uncertain significance (1). 1 of the submissions does not count toward it. Last evaluated 2024-02-02.

Conditions:
Neuronal ceroid lipofuscinosis. Also called: Neuronal Ceroid Lipofuscinoses. Identifiers: Orphanet 216, Orphanet 79263, MedGen C0027877, MONDO:0016295. Disease mechanism: loss of function.
Neuronal ceroid lipofuscinosis 5 (CLN5). Also called: CEROID LIPOFUSCINOSIS, NEURONAL, 5, VARIABLE AGE AT ONSET; Neuronal ceroid lipofuscinosis Finnish variant; NEURONAL CEROID LIPOFUSCINOSIS, LATE INFANTILE, FINNISH VARIANT; CLN5-Related Neuronal Ceroid-Lipofuscinosis. Identifiers: Orphanet 168491, Orphanet 228360, MedGen C1850442, MONDO:0009745, OMIM 256731.

Submissions (5):

Baylor Genetics
Classification: Likely pathogenic for Neuronal ceroid lipofuscinosis 5. Last evaluated: 2024-02-02. Review status: criteria provided, single submitter. Criteria: ACMG Guidelines, 2015. Collection method: clinical testing. Allele origin: unknown.

Labcorp Genetics (formerly Invitae), Labcorp
Classification: Uncertain significance for Neuronal ceroid lipofuscinosis. Last evaluated: 2021-09-01. Review status: criteria provided, single submitter. Criteria: Invitae Variant Classification Sherloc (09022015). Collection method: clinical testing. Allele origin: germline.
Comment: This sequence change replaces tryptophan with cysteine at codon 379 of the CLN5 protein (p.Trp379Cys). The tryptophan residue is highly conserved and there is a large physicochemical difference between tryptophan and cysteine. This variant is not present in population databases (ExAC no frequency). This missense change has been observed in individual(s) with neuronal ceroid lipofucinosis (PMID: 19309691). It has also been observed to segregate with disease in related individuals. ClinVar contains an entry for this variant (Variation ID: 56530). Algorithms developed to predict the effect of missense changes on protein structure and function are either unavailable or do not agree on the potential impact of this missense change (SIFT: "Deleterious"; PolyPhen-2: "Probably Damaging"; Align-GVGD: "Class C0"). Experimental studies have shown that this missense change affects CLN5 function (PMID: 19309691). In summary, the available evidence is currently insufficient to determine the role of this variant in disease. Therefore, it has been classified as a Variant of Uncertain Significance.

Genome-Nilou Lab
Classification: Likely pathogenic for Neuronal ceroid lipofuscinosis 5. Last evaluated: 2021-08-10. Review status: criteria provided, single submitter. Criteria: ACMG Guidelines, 2015. Collection method: clinical testing. Allele origin: germline. Affected: no.

CeGaT Center for Human Genetics Tuebingen
Classification: Pathogenic. Last evaluated: 2019-03-01. Review status: criteria provided, single submitter. Criteria: CeGaT Center For Human Genetics Tuebingen Variant Classification Criteria Version 2. Collection method: clinical testing. Allele origin: germline. Affected: yes. Observed: 1 variant allele.

Juha Muilu Group; Institute for Molecular Medicine Finland (FIMM)
Classification: Likely pathogenic for Ceroid lipofuscinosis neuronal 5. Review status: no assertion criteria provided. Collection method: not provided. Allele origin: unknown. Not counted in ClinVar's aggregate classification.
Comment: FinDis database variant: This variant was not found or characterized by our laboratory, data were collected from public sources: see reference
ClinVar note: Converted during submission from probable-pathogenic to Likely pathogenic.

Literature cited by the submitters: PubMed 19309691 (cited by Labcorp Genetics (formerly Invitae), Labcorp).